The following is an entry in ClinVar:

NM_005751.5(AKAP9):c.281G>A (p.Ser94Asn)

Gene: AKAP9 (A-kinase anchoring protein 9; plus strand). Cytogenetic location: 7q21.2.
Variant type: single nucleotide variant.
Coding change: c.281G>A on transcript NM_005751.5 (MANE Select); coding-DNA position 281, G replaced by A.
Protein change: p.Ser94Asn; replaces serine 94 with asparagine.
Molecular consequence: missense variant.
Genome position (GRCh38, 1-based): chr7:91,973,943, G>A. VCF-style: chr7-91973943-G-A. GRCh37 (hg19) VCF-style: chr7-91603257-G-A.
Other names: c.281G>A, p.Ser94Asn (NM_147185.3); short protein forms S94N.
Identifiers: ClinVar variation 3657569 (VCV003657569.2).

ClinVar aggregate classification (germline): Uncertain significance (1 of 4 stars; one submission).

Conditions:
Long QT syndrome (LQTS). Identifiers: MedGen C0023976, MeSH D008133, MONDO:0002442. Disease mechanism: loss of function. Inheritance: Various modes of inheritance.

gnomAD v4.1: 1 of 1,613,900 alleles (0.000062%); highest among the groups gnomAD compares: Non-Finnish European, 0.000085%; no homozygotes.

Submission:

Labcorp Genetics (formerly Invitae), Labcorp
Classification: Uncertain significance for Long QT syndrome. Last evaluated: 2024-11-26. Review status: criteria provided, single submitter. Criteria: Invitae Variant Classification Sherloc (09022015). Collection method: clinical testing. Allele origin: germline.
Comment: This sequence change replaces serine, which is neutral and polar, with asparagine, which is neutral and polar, at codon 94 of the AKAP9 protein (p.Ser94Asn). This variant is not present in population databases (gnomAD no frequency). This variant has not been reported in the literature in individuals affected with AKAP9-related conditions. An algorithm developed to predict the effect of missense changes on protein structure and function (PolyPhen-2) suggests that this variant is likely to be tolerated. In summary, the available evidence is currently insufficient to determine the role of this variant in disease. Therefore, it has been classified as a Variant of Uncertain Significance.